The following is an entry in ClinVar:

NM_052876.4(NACC1):c.1227G>C (p.Arg409=)

Gene: NACC1 (nucleus accumbens associated 1; plus strand). Cytogenetic location: 19p13.13.
Variant type: single nucleotide variant.
Coding change: c.1227G>C on transcript NM_052876.4 (MANE Select); coding-DNA position 1227, G replaced by C.
Protein change: p.Arg409=; no amino-acid change (arginine 409 retained).
Molecular consequence: synonymous variant.
Genome position (GRCh38, 1-based): chr19:13,137,478, G>C. VCF-style: chr19-13137478-G-C. GRCh37 (hg19) VCF-style: chr19-13248292-G-C.
Identifiers: ClinVar variation 3660915 (VCV003660915.2).

ClinVar aggregate classification (germline): Uncertain significance (1 of 4 stars; one submission).

Submission:

Labcorp Genetics (formerly Invitae), Labcorp
Classification: Uncertain significance. Last evaluated: 2024-12-23. Review status: criteria provided, single submitter. Criteria: Invitae Variant Classification Sherloc (09022015). Collection method: clinical testing. Allele origin: germline.
Comment: This sequence change affects codon 409 of the NACC1 mRNA. It is a 'silent' change, meaning that it does not change the encoded amino acid sequence of the NACC1 protein. It affects a nucleotide within the consensus splice site. This variant is not present in population databases (gnomAD no frequency). This variant has not been reported in the literature in individuals affected with NACC1-related conditions. Algorithms developed to predict the effect of sequence changes on RNA splicing suggest that this variant is not likely to affect RNA splicing. In summary, the available evidence is currently insufficient to determine the role of this variant in disease. Therefore, it has been classified as a Variant of Uncertain Significance.